The following is an entry in ClinVar:

NM_000026.4(ADSL):c.567C>T (p.Val189=)

Gene: ADSL (adenylosuccinate lyase; plus strand). Cytogenetic location: 22q13.1.
Variant type: single nucleotide variant.
Coding change: c.567C>T on transcript NM_000026.4 (MANE Select); coding-DNA position 567, C replaced by T.
Protein change: p.Val189=; no amino-acid change (valine 189 retained).
Molecular consequence: synonymous variant. On other transcripts: non-coding transcript variant (1).
Genome position (GRCh38, 1-based): chr22:40,358,948, C>T. VCF-style: chr22-40358948-C-T. GRCh37 (hg19) VCF-style: chr22-40754952-C-T.
Other names: c.567C>T, p.Val189= (NM_001123378.3, NM_001363840.3); c.375C>T, p.Val125= (NM_001317923.2); c.567C>T (NM_000026.3).
Identifiers: ClinVar variation 377450 (VCV000377450.12), dbSNP rs765353500, ClinGen allele CA10247757.

ClinVar aggregate classification (germline): Benign/Likely benign. Review status: criteria provided, multiple submitters, no conflicts (2 of 4 stars). 3 submissions from 3 submitters: Benign (1); Likely benign (2). Last evaluated 2025-07-02.

Conditions:
Adenylosuccinate lyase deficiency (ADSLD). Also called: ADSL DEFICIENCY. Identifiers: Orphanet 46, MedGen C0268126, MONDO:0007068, OMIM 103050.
ADSL-related disorder. Also called: ADSL-related condition.

Allele frequency attached by ClinVar (database versions not stated): gnomAD exomes 0.00001 and 0.00003; ExAC 0.00002; gnomAD 0.00007 and 0.00008; TOPMed 0.00009.
gnomAD v4.1: 29 of 1,614,058 alleles (0.0018%); highest among the groups gnomAD compares: African/African-American, 0.039%; no homozygotes.

Submissions (3):

PreventionGenetics, part of Exact Sciences
Classification: Likely benign for ADSL-related condition. Last evaluated: 2025-07-02. Review status: criteria provided, single submitter. Criteria: ACMG Guidelines, 2015. Collection method: clinical testing. Allele origin: germline.
Comment: This variant is classified as likely benign based on ACMG/AMP sequence variant interpretation guidelines (Richards et al. 2015 PMID: 25741868, with internal and published modifications).

Labcorp Genetics (formerly Invitae), Labcorp
Classification: Likely benign for Adenylosuccinate lyase deficiency. Last evaluated: 2025-05-30. Review status: criteria provided, single submitter. Criteria: Invitae Variant Classification Sherloc (09022015). Collection method: clinical testing. Allele origin: germline.

GeneDx
Classification: Benign. Last evaluated: 2015-06-24. Review status: criteria provided, single submitter. Criteria: GeneDx Variant Classification (06012015). Collection method: clinical testing. Allele origin: germline. Affected: yes.
Comment: This variant is considered likely benign or benign based on one or more of the following criteria: it is a conservative change, it occurs at a poorly conserved position in the protein, it is predicted to be benign by multiple in silico algorithms, and/or has population frequency not consistent with disease.